The following is an entry in ClinVar:

NM_000397.4(CYBB):c.755del (p.Gly252fs)

Gene: CYBB (cytochrome b-245 beta chain; plus strand). Cytogenetic location: Xp21.1.
Variant type: Deletion.
Coding change: c.755del on transcript NM_000397.4 (MANE Select); coding-DNA position 755, one base deleted (G; older notation c.755delG).
Protein change: p.Gly252fs; shifts the reading frame from glycine 252.
Molecular consequence: frameshift variant.
Genome position (GRCh38, 1-based): chrX:37,799,035, G deleted; the last of 4 consecutive G bases (chrX:37,799,032-37,799,035); deleting any one gives the same sequence. VCF-style (leftmost placement, unchanged base first): chrX-37799031-TG-T. GRCh37 (hg19) VCF-style: chrX-37658284-TG-T.
Other names: short protein forms G252fs.
Identifiers: ClinVar variation 2138520 (VCV002138520.4), dbSNP rs2519204575, ClinGen allele CA2580100803.

ClinVar aggregate classification (germline): Pathogenic (1 of 4 stars; one submission).

Conditions:
Granulomatous disease, chronic, X-linked. Also called: GRANULOMATOUS DISEASE, CHRONIC, X-LINKED, SOMATIC MOSAIC; CYTOCHROME b-NEGATIVE GRANULOMATOUS DISEASE, CHRONIC, X-LINKED. Identifiers: Orphanet 379, MedGen C1844376, MONDO:0010600, OMIM 306400.

Submission:

Labcorp Genetics (formerly Invitae), Labcorp
Classification: Pathogenic for Granulomatous disease, chronic, X-linked. Last evaluated: 2022-03-09. Review status: criteria provided, single submitter. Criteria: Invitae Variant Classification Sherloc (09022015). Collection method: clinical testing. Allele origin: germline.
Comment: This sequence change creates a premature translational stop signal (p.Gly252Glufs*3) in the CYBB gene. It is expected to result in an absent or disrupted protein product. Loss-of-function variants in CYBB are known to be pathogenic (PMID: 9585602, 20729109). This variant is not present in population databases (gnomAD no frequency). For these reasons, this variant has been classified as Pathogenic. This variant is also known as 764/767 G Deletion. This premature translational stop signal has been observed in individual(s) with chronic granulomatous disease (PMID: 11162142, 19410294).

Literature cited by the submitters: PubMed 9585602; PubMed 20729109; PubMed 11162142; PubMed 19410294.